The following is an entry in ClinVar:

ClinVar aggregate classification (germline): Uncertain significance (1 of 4 stars; one submission).

Conditions:
Cardiovascular phenotype. Identifiers: MedGen CN230736.

gnomAD v4.1: 1 of 1,614,112 alleles (0.000062%); highest among the groups gnomAD compares: Non-Finnish European, 0.000085%; no homozygotes.

Submission:

Ambry Genetics
Classification: Uncertain significance for Cardiovascular phenotype. Last evaluated: 2026-03-12. Review status: criteria provided, single submitter. Criteria: Ambry Variant Classification Scheme 2023. Collection method: clinical testing. Allele origin: germline.
Comment: The p.D389H variant (also known as c.1165G>C), located in coding exon 7 of the SPRED1 gene, results from a G to C substitution at nucleotide position 1165. The aspartic acid at codon 389 is replaced by histidine, an amino acid with similar properties. This amino acid position is conserved. In addition, this alteration is predicted to be deleterious by in silico analysis. Based on the available evidence, the clinical significance of this variant remains unclear.

NM_152594.3(SPRED1):c.1165G>C (p.Asp389His)

Gene: SPRED1 (sprouty related EVH1 domain containing 1; plus strand). Cytogenetic location: 15q14.
Variant type: single nucleotide variant.
Coding change: c.1165G>C on transcript NM_152594.3 (MANE Select); coding-DNA position 1165, G replaced by C.
Protein change: p.Asp389His; replaces aspartic acid 389 with histidine.
Molecular consequence: missense variant.
Genome position (GRCh38, 1-based): chr15:38,351,494, G>C. VCF-style: chr15-38351494-G-C. GRCh37 (hg19) VCF-style: chr15-38643695-G-C.
Other names: short protein forms D389H.
Identifiers: ClinVar variation 4827636 (VCV004827636.1).